The following is an entry in ClinVar:

ClinVar aggregate classification (germline): Uncertain significance. Review status: criteria provided, multiple submitters, no conflicts (2 of 4 stars). 2 submissions from 2 submitters: Uncertain significance (2). Last evaluated 2025-09-14.

Conditions:
DICER1-related tumor predisposition. Also called: DICER1-related pleuropulmonary blastoma cancer predisposition syndrome; DICER1 syndrome. Identifiers: Orphanet 284343, MedGen C3839822, MONDO:0100216.
Hereditary cancer-predisposing syndrome. Also called: Tumor predisposition; Neoplastic Syndromes, Hereditary; Hereditary Cancer Syndrome; Hereditary neoplastic syndrome. Identifiers: Orphanet 140162, MedGen C0027672, MeSH D009386, MONDO:0015356.

Allele frequency attached by ClinVar (database versions not stated): gnomAD exomes 0.00001; TOPMed 0.00001; ExAC 0.00002; ESP Exome Variant Server 0.00008.
gnomAD v4.1: 15 of 1,613,896 alleles (0.00093%); highest among the groups gnomAD compares: Non-Finnish European, 0.0013%; no homozygotes.

Submissions (2):

Labcorp Genetics (formerly Invitae), Labcorp
Classification: Uncertain significance for DICER1-related tumor predisposition. Last evaluated: 2025-09-14. Review status: criteria provided, single submitter. Criteria: Invitae Variant Classification Sherloc (09022015). Collection method: clinical testing. Allele origin: germline.
Comment: This sequence change replaces proline, which is neutral and non-polar, with arginine, which is basic and polar, at codon 683 of the DICER1 protein (p.Pro683Arg). This variant is present in population databases (rs373914672, gnomAD 0.0009%). This variant has not been reported in the literature in individuals affected with DICER1-related conditions. ClinVar contains an entry for this variant (Variation ID: 477085). Invitae Evidence Modeling of protein sequence and biophysical properties (such as structural, functional, and spatial information, amino acid conservation, physicochemical variation, residue mobility, and thermodynamic stability) indicates that this missense variant is not expected to disrupt DICER1 protein function with a negative predictive value of 95%. In summary, the available evidence is currently insufficient to determine the role of this variant in disease. Therefore, it has been classified as a Variant of Uncertain Significance.

Ambry Genetics
Classification: Uncertain significance for Hereditary cancer-predisposing syndrome. Last evaluated: 2024-03-20. Review status: criteria provided, single submitter. Criteria: Ambry Variant Classification Scheme 2023. Collection method: clinical testing. Allele origin: germline.
Comment: The p.P683R variant (also known as c.2048C>G), located in coding exon 12 of the DICER1 gene, results from a C to G substitution at nucleotide position 2048. The proline at codon 683 is replaced by arginine, an amino acid with dissimilar properties. This amino acid position is not well conserved in available vertebrate species. In addition, this alteration is predicted to be tolerated by in silico analysis. Since supporting evidence is limited at this time, the clinical significance of this alteration remains unclear.

NM_177438.3(DICER1):c.2048C>G (p.Pro683Arg)

Gene: DICER1 (dicer 1, ribonuclease III; minus strand). Cytogenetic location: 14q32.13.
Variant type: single nucleotide variant.
Coding change: c.2048C>G on transcript NM_177438.3 (MANE Select); coding-DNA position 2048, C replaced by G.
Protein change: p.Pro683Arg; replaces proline 683 with arginine.
Molecular consequence: missense variant.
Genome position (GRCh38, 1-based): chr14:95,112,240, G>C on the plus strand (C>G on the coding strand, the complement: DICER1 is on the minus strand). VCF-style: chr14-95112240-G-C. GRCh37 (hg19) VCF-style: chr14-95578577-G-C.
Other names: c.2048C>G, p.Pro683Arg (NM_001195573.1, NM_001271282.3, NM_001291628.2 and 1 more transcripts); short protein forms P683R.
Identifiers: ClinVar variation 477085 (VCV000477085.13), dbSNP rs373914672, ClinGen allele CA7331329.
Genomic context (GRCh38, chr14:95,112,240, plus strand): 5'-TGCAGTTTCTCACAGCAAATGAGAGCTACAACTCTTTCAGCCAATCGTACACAGCTCATT[G>C]GTGGACCCTGAAAATAACAAAAACCTTTCCATTATATATGCACATCGCTGTATTACCTCT-3'
Protein context (NP_803187.1, residues 673-693): SPLRASIVGP[Pro683Arg]MSCVRLAERV